The following is an entry in ClinVar:

NM_032608.7(MYO18B):c.3639G>A (p.Gly1213=)

Gene: MYO18B (myosin XVIIIB; plus strand). Cytogenetic location: 22q12.1.
Variant type: single nucleotide variant.
Coding change: c.3639G>A on transcript NM_032608.7 (MANE Select); coding-DNA position 3639, G replaced by A.
Protein change: p.Gly1213=; no amino-acid change (glycine 1213 retained).
Molecular consequence: synonymous variant.
Genome position (GRCh38, 1-based): chr22:25,847,516, G>A. VCF-style: chr22-25847516-G-A. GRCh37 (hg19) VCF-style: chr22-26243483-G-A.
Other names: c.3639G>A (NM_032608.6); c.3642G>A, p.Gly1214= (NM_001318245.2).
Identifiers: ClinVar variation 1571733 (VCV001571733.10), dbSNP rs756761660, ClinGen allele CA10160621.

ClinVar aggregate classification (germline): Likely benign. Review status: criteria provided, single submitter (1 of 4 stars). 2 submissions from 2 submitters: Likely benign (1). 1 of the submissions does not count toward it. Last evaluated 2026-01-12.

Conditions:
MYO18B-related disorder. Also called: MYO18B-related condition.

Allele frequency attached by ClinVar (database versions not stated): gnomAD 0.00001 and 0.00002; ExAC 0.00006; gnomAD exomes 0.00008.
gnomAD v4.1: 23 of 1,578,022 alleles (0.0015%); highest among the groups gnomAD compares: East Asian, 0.044%; no homozygotes.

Submissions (2):

Labcorp Genetics (formerly Invitae), Labcorp
Classification: Likely benign. Last evaluated: 2026-01-12. Review status: criteria provided, single submitter. Criteria: Invitae Variant Classification Sherloc (09022015). Collection method: clinical testing. Allele origin: germline.

PreventionGenetics, part of Exact Sciences
Classification: Likely benign for MYO18B-related condition. Last evaluated: 2023-08-02. Review status: no assertion criteria provided. Collection method: clinical testing. Allele origin: germline. Not counted in ClinVar's aggregate classification.
Comment: This variant is classified as likely benign based on ACMG/AMP sequence variant interpretation guidelines (Richards et al. 2015 PMID: 25741868, with internal and published modifications).